The following is an entry in ClinVar:

NM_203447.4(DOCK8):c.6214A>G (p.Ile2072Val)

Gene: DOCK8 (dedicator of cytokinesis 8; plus strand). Cytogenetic location: 9p24.3.
Variant type: single nucleotide variant.
Coding change: c.6214A>G on transcript NM_203447.4 (MANE Select); coding-DNA position 6214, A replaced by G.
Protein change: p.Ile2072Val; replaces isoleucine 2072 with valine.
Molecular consequence: missense variant.
Genome position (GRCh38, 1-based): chr9:463,662, A>G. VCF-style: chr9-463662-A-G. GRCh37 (hg19) VCF-style: chr9-463662-A-G.
Other names: c.5914A>G, p.Ile1972Val (NM_001190458.2); c.6010A>G, p.Ile2004Val (NM_001193536.2); c.6214A>G (NM_203447.3); short protein forms I2004V, I1972V, I2072V.
Identifiers: ClinVar variation 1035353 (VCV001035353.5), dbSNP rs148464417, ClinGen allele CA4959738.

ClinVar aggregate classification (germline): Uncertain significance. Review status: criteria provided, multiple submitters, no conflicts (2 of 4 stars). 2 submissions from 2 submitters: Uncertain significance (2). Last evaluated 2025-05-20.

Conditions:
Inborn genetic diseases. Identifiers: MedGen C0950123, MeSH D030342.
Combined immunodeficiency due to DOCK8 deficiency (HIES2). Also called: HYPER-IgE SYNDROME 2, AUTOSOMAL RECESSIVE, WITH RECURRENT INFECTIONS; DOCK8 Deficiency; HIES autosomal recessive; Hyper-IgE recurrent infection syndrome, autosomal recessive; HYPER-IgE RECURRENT INFECTION SYNDROME 2, AUTOSOMAL RECESSIVE. Identifiers: Orphanet 217390, MedGen C4722305, MONDO:0009478, OMIM 243700.

Allele frequency attached by ClinVar (database versions not stated): TOPMed below 0.00001; gnomAD exomes 0.00001 and 0.00003; gnomAD 0.00002 and 0.00003; ExAC 0.00003; ESP Exome Variant Server 0.00008; 1000 Genomes Project 30x 0.00016.
gnomAD v4.1: 20 of 1,613,844 alleles (0.0012%); highest among the groups gnomAD compares: Middle Eastern, 0.016%; no homozygotes.

Submissions (2):

Ambry Genetics
Classification: Uncertain significance for Inborn genetic diseases. Last evaluated: 2025-05-20. Review status: criteria provided, single submitter. Criteria: Ambry Variant Classification Scheme 2023. Collection method: clinical testing. Allele origin: germline.

Labcorp Genetics (formerly Invitae), Labcorp
Classification: Uncertain significance for Combined immunodeficiency due to DOCK8 deficiency. Last evaluated: 2022-06-27. Review status: criteria provided, single submitter. Criteria: Invitae Variant Classification Sherloc (09022015). Collection method: clinical testing. Allele origin: germline.
Comment: This sequence change replaces isoleucine, which is neutral and non-polar, with valine, which is neutral and non-polar, at codon 2072 of the DOCK8 protein (p.Ile2072Val). This variant is present in population databases (rs148464417, gnomAD 0.01%). This variant has not been reported in the literature in individuals affected with DOCK8-related conditions. ClinVar contains an entry for this variant (Variation ID: 1035353). Algorithms developed to predict the effect of missense changes on protein structure and function output the following: SIFT: "Tolerated"; PolyPhen-2: "Benign"; Align-GVGD: "Class C0". The valine amino acid residue is found in multiple mammalian species, which suggests that this missense change does not adversely affect protein function. In summary, the available evidence is currently insufficient to determine the role of this variant in disease. Therefore, it has been classified as a Variant of Uncertain Significance.